The following is an entry in ClinVar:

ClinVar aggregate classification (germline): Uncertain significance. Review status: criteria provided, multiple submitters, no conflicts (2 of 4 stars). 6 submissions from 6 submitters: Uncertain significance (6). Last evaluated 2026-09-14.

Conditions:
Progressive familial intrahepatic cholestasis type 2. Identifiers: Orphanet 79304, MedGen C3489789, MONDO:0011156, OMIM 601847.
Benign recurrent intrahepatic cholestasis type 2 (BRIC2). Also called: Recurrent familial intrahepatic cholestasis 2. Identifiers: Orphanet 65682, Orphanet 99961, MedGen C2608083, MONDO:0011559, OMIM 605479.
ABCB11-related disorder. Also called: ABCB11-related condition.
Familial intrahepatic cholestasis. Identifiers: Orphanet 284385, MedGen CN296401, MONDO:0017290.

Allele frequency attached by ClinVar (database versions not stated): ExAC 0.00003; gnomAD exomes 0.00004 and 0.00008; TOPMed 0.00008; gnomAD 0.00012; 1000 Genomes Project 30x 0.00016.
gnomAD v4.1: 127 of 1,565,226 alleles (0.0081%); highest among the groups gnomAD compares: Middle Eastern, 0.067%; no homozygotes.

Submissions (6):

PreventionGenetics, part of Exact Sciences
Classification: Uncertain significance for ABCB11-related condition. Last evaluated: 2026-09-14. Review status: criteria provided, single submitter. Criteria: ACMG Guidelines, 2015. Collection method: clinical testing. Allele origin: germline.
Comment: The ABCB11 c.2092C>T variant is predicted to result in the amino acid substitution p.Arg698Cys. This variant has been reported in multiple individuals with familial progressive intrahepatic cholestasis; however, not all individuals had a second ABCB11 variant (Kubitz et al. 2012. PubMed ID: 22795478; Table S2, Dröge et al. 2017. PubMed ID: 28733223; Al-Hussaini et al. 2021. PubMed ID: 33915153; Table S1, Goldschmidt et al. 2015. PubMed ID: 26126923). This variant is reported in 0.011% of alleles in individuals of European (Non-Finnish) descent in gnomAD. At this time, the clinical significance of this variant is uncertain due to the absence of conclusive functional and genetic evidence.

Genomenon, Inc
Classification: Uncertain significance for Familial intrahepatic cholestasis. Last evaluated: 2026-04-14. Review status: criteria provided, single submitter. Criteria: Genomenon Sequence Variant Interpretation Standards - Updated. Collection method: curation. Allele origin: germline. Affected: yes.
Comment: ABCB11 p.Arg698Cys (c.2092C>T) is a missense variant that changes the amino acid at residue 698 from Arginine to Cysteine. This variant has been observed in at least one proband with an ABCB11-related disorder (PMID:33915153;28733223). It is absent or not present at a significant frequency in gnomAD. In conclusion, we classify ABCB11 p.Arg698Cys (c.2092C>T) as a variant of uncertain significance.

Women's Health and Genetics/Laboratory Corporation of America, LabCorp
Classification: Uncertain significance. Last evaluated: 2023-09-21. Review status: criteria provided, single submitter. Criteria: LabCorp Variant Classification Summary - May 2015. Collection method: clinical testing. Allele origin: germline.
Comment: Variant summary: ABCB11 c.2092C>T (p.Arg698Cys) results in a non-conservative amino acid change located in the LNK domain (Droge_2017) of the encoded protein sequence. Four of five in-silico tools predict a damaging effect of the variant on protein function. The variant allele was found at a frequency of 4.4e-05 in 179922 control chromosomes (gnomAD). The available data on variant occurrences in the general population are insufficient to allow any conclusion about variant significance. c.2092C>T has been reported in the literature in individuals affected with Familial Intrahepatic Cholestasis (Kubitz_2012, Goldschmidt_2015, Al-Hussaini_2021). These reports do not provide unequivocal conclusions about association of the variant with Familial Intrahepatic Cholestasis. To our knowledge, no experimental evidence demonstrating an impact on protein function has been reported. The following publications have been ascertained in the context of this evaluation (PMID: 33915153, 28733223, 26126923, 22795478). Two submitters have cited clinical-significance assessments for this variant to ClinVar after 2014. All submitters classified the variant as uncertain significance. Based on the evidence outlined above, the variant was classified as uncertain significance.

Fulgent Genetics
Classification: Uncertain significance for Progressive familial intrahepatic cholestasis type 2; Benign recurrent intrahepatic cholestasis type 2. Last evaluated: 2022-03-01. Review status: criteria provided, single submitter. Criteria: ACMG Guidelines, 2015. Collection method: clinical testing. Allele origin: unknown.

Illumina Laboratory Services, Illumina
Classification: Uncertain significance for Progressive familial intrahepatic cholestasis type 2. Last evaluated: 2018-01-13. Review status: criteria provided, single submitter. Criteria: ICSL Variant Classification Criteria 13 December 2019. Collection method: clinical testing. Allele origin: germline.

Breakthrough Genomics
Classification: Uncertain significance. Review status: criteria provided, single submitter. Criteria: ACMG Guidelines, 2015. Collection method: not provided. Allele origin: germline. Inheritance: Autosomal recessive inheritance. Affected: yes.

Literature cited by the submitters: PubMed 33915153 (cited by Genomenon, Inc and Women's Health and Genetics/Laboratory Corporation of America, LabCorp); PubMed 28733223 (cited by Genomenon, Inc and Women's Health and Genetics/Laboratory Corporation of America, LabCorp); PubMed 26126923 (cited by Women's Health and Genetics/Laboratory Corporation of America, LabCorp); PubMed 22795478 (cited by Women's Health and Genetics/Laboratory Corporation of America, LabCorp).

NM_003742.4(ABCB11):c.2092C>T (p.Arg698Cys)

Gene: ABCB11 (ATP binding cassette subfamily B member 11; minus strand). Cytogenetic location: 2q31.1.
Variant type: single nucleotide variant.
Coding change: c.2092C>T on transcript NM_003742.4 (MANE Select); coding-DNA position 2092, C replaced by T.
Protein change: p.Arg698Cys; replaces arginine 698 with cysteine.
Molecular consequence: missense variant.
Genome position (GRCh38, 1-based): chr2:168,964,292, G>A on the plus strand (C>T on the coding strand, the complement: ABCB11 is on the minus strand). VCF-style: chr2-168964292-G-A. GRCh37 (hg19) VCF-style: chr2-169820802-G-A.
Other names: c.2092C>T, p.Arg698Cys (LRG_1199t1); short protein forms R698C.
Identifiers: ClinVar variation 332029 (VCV000332029.10), dbSNP rs539087982, ClinGen allele CA1951366.
Genomic context (GRCh38, chr2:168,964,292, plus strand): 5'-TATGATCTACAACAGCTAATGGAGGTTCGTGCACCAGGTAAGAAAGCTGAGACTTGGAGC[G>A]TTGCCGGATGGAAGCCCTGTAAATAAACAGAAAGATGAAACAGTGTAGACTGTGGCCAGA-3'
Protein context (NP_003733.2, residues 688-708): QDSLRASIRQ[Arg698Cys]SKSQLSYLVH